The following is an entry in ClinVar:

NM_001360.3(DHCR7):c.770C>G (p.Ala257Gly)

Gene: DHCR7 (7-dehydrocholesterol reductase; minus strand). Cytogenetic location: 11q13.4.
Variant type: single nucleotide variant.
Coding change: c.770C>G on transcript NM_001360.3 (MANE Select); coding-DNA position 770, C replaced by G.
Protein change: p.Ala257Gly; replaces alanine 257 with glycine.
Molecular consequence: missense variant.
Genome position (GRCh38, 1-based): chr11:71,438,940, G>C on the plus strand (C>G on the coding strand, the complement: DHCR7 is on the minus strand). VCF-style: chr11-71438940-G-C. GRCh37 (hg19) VCF-style: chr11-71149986-G-C.
Other names: c.770C>G, p.Ala257Gly (NM_001163817.2, NM_001425109.1, NM_001425110.1 and 6 more transcripts); c.821C>G, p.Ala274Gly (NM_001425107.1); c.806C>G, p.Ala269Gly (NM_001425108.1); c.710C>G, p.Ala237Gly (NM_001425113.1); c.674C>G, p.Ala225Gly (NM_001425114.1, NM_001425116.1); c.596C>G, p.Ala199Gly (NM_001425117.1); short protein forms A225G, A269G, A274G, A199G, A237G, A257G.
Identifiers: ClinVar variation 2802434 (VCV002802434.4), dbSNP rs770925697, ClinGen allele CA381703312.

ClinVar aggregate classification (germline): Pathogenic/Likely pathogenic. Review status: criteria provided, multiple submitters, no conflicts (2 of 4 stars). 2 submissions from 2 submitters: Pathogenic (1); Likely pathogenic (1). Last evaluated 2024-06-25.

Conditions:
Smith-Lemli-Opitz syndrome (SLOS). Also called: RSH SYNDROME; RUTLEDGE LETHAL MULTIPLE CONGENITAL ANOMALY SYNDROME; 7-Dehydrocholesterol reductase deficiency; LETHAL ACRODYSGENITAL SYNDROME; POLYDACTYLY, SEX REVERSAL, RENAL HYPOPLASIA, AND UNILOBAR LUNG. Identifiers: Orphanet 818, MedGen C0175694, MONDO:0010035, OMIM 270400.

gnomAD v4.1: 2 of 1,613,926 alleles (0.00012%); highest among the groups gnomAD compares: Non-Finnish European, 0.00017%; no homozygotes.

Submissions (2):

Fulgent Genetics
Classification: Likely pathogenic for Smith-Lemli-Opitz syndrome. Last evaluated: 2024-06-25. Review status: criteria provided, single submitter. Criteria: ACMG Guidelines, 2015. Collection method: clinical testing. Allele origin: germline.

Labcorp Genetics (formerly Invitae), Labcorp
Classification: Pathogenic for Smith-Lemli-Opitz syndrome. Last evaluated: 2023-10-09. Review status: criteria provided, single submitter. Criteria: Invitae Variant Classification Sherloc (09022015). Collection method: clinical testing. Allele origin: germline.
Comment: This sequence change replaces alanine, which is neutral and non-polar, with glycine, which is neutral and non-polar, at codon 257 of the DHCR7 protein (p.Ala257Gly). This variant is not present in population databases (gnomAD no frequency). This missense change has been observed in individual(s) with clinical features of Smith–Lemli–Opitz syndrome (Invitae). In at least one individual the data is consistent with being in trans (on the opposite chromosome) from a pathogenic variant. Advanced modeling of protein sequence and biophysical properties (such as structural, functional, and spatial information, amino acid conservation, physicochemical variation, residue mobility, and thermodynamic stability) performed at Invitae indicates that this missense variant is expected to disrupt DHCR7 protein function. For these reasons, this variant has been classified as Pathogenic.